The following is an entry in ClinVar:

ClinVar aggregate classification (germline): Uncertain significance (1 of 4 stars; one submission).

Submission:

GeneDx
Classification: Uncertain significance. Last evaluated: 2024-11-26. Review status: criteria provided, single submitter. Criteria: GeneDx Variant Classification Process June 2021. Collection method: clinical testing. Allele origin: germline. Affected: yes.
Comment: Not observed at significant frequency in large population cohorts (gnomAD); In silico analysis indicates that this missense variant does not alter protein structure/function; Has not been previously published as pathogenic or benign to our knowledge

NM_000052.7(ATP7A):c.920G>C (p.Ser307Thr)

Gene: ATP7A (ATPase copper transporting alpha; plus strand). Cytogenetic location: Xq21.1.
Variant type: single nucleotide variant.
Coding change: c.920G>C on transcript NM_000052.7 (MANE Select); coding-DNA position 920, G replaced by C.
Protein change: p.Ser307Thr; replaces serine 307 with threonine.
Molecular consequence: missense variant.
Genome position (GRCh38, 1-based): chrX:77,989,542, G>C. VCF-style: chrX-77989542-G-C. GRCh37 (hg19) VCF-style: chrX-77245038-G-C.
Other names: c.920G>C, p.Ser307Thr (NM_001282224.2); short protein forms S307T.
Identifiers: ClinVar variation 3900825 (VCV003900825.1).